The following is an entry in ClinVar:

ClinVar aggregate classification (germline): Conflicting classifications of pathogenicity. Review status: criteria provided, conflicting classifications (1 of 4 stars). 2 submissions from 2 submitters: Uncertain significance (1); Likely benign (1). Last evaluated 2024-08-12.

Conditions:
Epileptic encephalopathy. Identifiers: MedGen C0543888, HP:0200134.

Allele frequency attached by ClinVar (database versions not stated): TOPMed 0.00010.
gnomAD v4.1: 33 of 1,565,212 alleles (0.0021%); highest among the groups gnomAD compares: Admixed American, 0.032%; no homozygotes.

Submissions (2):

Labcorp Genetics (formerly Invitae), Labcorp
Classification: Uncertain significance for Epileptic encephalopathy. Last evaluated: 2024-08-12. Review status: criteria provided, single submitter. Criteria: Invitae Variant Classification Sherloc (09022015). Collection method: clinical testing. Allele origin: germline.
Comment: This sequence change replaces valine, which is neutral and non-polar, with isoleucine, which is neutral and non-polar, at codon 1292 of the FASN protein (p.Val1292Ile). This variant is present in population databases (rs773063554, gnomAD 0.04%). This variant has not been reported in the literature in individuals affected with FASN-related conditions. ClinVar contains an entry for this variant (Variation ID: 854317). An algorithm developed to predict the effect of missense changes on protein structure and function outputs the following: PolyPhen-2: "Benign". The isoleucine amino acid residue is found in multiple mammalian species, which suggests that this missense change does not adversely affect protein function. In summary, the available evidence is currently insufficient to determine the role of this variant in disease. Therefore, it has been classified as a Variant of Uncertain Significance.

Ambry Genetics
Classification: Likely benign. Last evaluated: 2024-02-21. Review status: criteria provided, single submitter. Criteria: Ambry Variant Classification Scheme 2023. Collection method: clinical testing. Allele origin: germline.

NM_004104.5(FASN):c.3874G>A (p.Val1292Ile)

Gene: FASN (fatty acid synthase; minus strand). Cytogenetic location: 17q25.3.
Variant type: single nucleotide variant.
Coding change: c.3874G>A on transcript NM_004104.5 (MANE Select); coding-DNA position 3874, G replaced by A.
Protein change: p.Val1292Ile; replaces valine 1292 with isoleucine.
Molecular consequence: missense variant.
Genome position (GRCh38, 1-based): chr17:82,085,730, C>T on the plus strand (G>A on the coding strand, the complement: FASN is on the minus strand). VCF-style: chr17-82085730-C-T. GRCh37 (hg19) VCF-style: chr17-80043606-C-T.
Other names: short protein forms V1292I.
Identifiers: ClinVar variation 854317 (VCV000854317.10), dbSNP rs773063554, ClinGen allele CA8852255.